The following is an entry in ClinVar:

NM_001267550.2(TTN):c.79151T>C (p.Phe26384Ser)

Genes: TTN (titin; minus strand), TTN-AS1 (TTN antisense RNA 1; plus strand). Cytogenetic location: 2q31.2.
Variant type: single nucleotide variant.
Coding change: c.79151T>C on transcript NM_001267550.2 (MANE Select); coding-DNA position 79151, T replaced by C.
Protein change: p.Phe26384Ser; replaces phenylalanine 26384 with serine.
Molecular consequence: missense variant.
Genome position (GRCh38, 1-based): chr2:178,566,981, A>G on the plus strand (T>C on the coding strand, the complement: TTN is on the minus strand). VCF-style: chr2-178566981-A-G. GRCh37 (hg19) VCF-style: chr2-179431708-A-G.
Other names: c.74228T>C, p.Phe24743Ser (NM_001256850.1); c.51956T>C, p.Phe17319Ser (NM_003319.4); c.71447T>C, p.Phe23816Ser (NM_133378.4); c.52331T>C, p.Phe17444Ser (NM_133432.3); c.52532T>C, p.Phe17511Ser (NM_133437.4); short protein forms F17319S, F17444S, F17511S, F26384S, F23816S, F24743S.
Identifiers: ClinVar variation 4977322 (VCV004977322.1).

ClinVar aggregate classification (germline): Uncertain significance (1 of 4 stars; one submission).

Conditions:
TTN-related disorder. Also called: TTN-related condition; TTN-related disease; TTN-related disorders.

gnomAD v4.1: 9 of 1,613,492 alleles (0.00056%); highest among the groups gnomAD compares: African/African-American, 0.0013%; no homozygotes.

Submission:

PreventionGenetics, part of Exact Sciences
Classification: Uncertain significance for TTN-related condition. Last evaluated: 2026-03-31. Review status: criteria provided, single submitter. Criteria: ACMG Guidelines, 2015. Collection method: clinical testing. Allele origin: germline.
Comment: The TTN c.79151T>C variant is predicted to result in the amino acid substitution p.Phe26384Ser. This variant has been reported in a study of inherited skeletal myopathies; however, it was not considered to be a primary cause of disease (Savarese et al. 2020. PubMed ID: 32039858). This variant is reported in 0.00089% of alleles in individuals of European (Non-Finnish) descent in gnomAD. At this time, the clinical significance of this variant is uncertain due to the absence of conclusive functional and genetic evidence.